The following is an entry in ClinVar:

ClinVar aggregate classification (germline): Uncertain significance. Review status: criteria provided, multiple submitters, no conflicts (2 of 4 stars). 2 submissions from 2 submitters: Uncertain significance (2). Last evaluated 2024-06-17.

Conditions:
Cardiovascular phenotype. Identifiers: MedGen CN230736.
Cardiofaciocutaneous syndrome 4 (CFC4). Also called: MAP2K2-Related Cardiofaciocutaneous Syndrome. Identifiers: Orphanet 1340, MedGen C3809007, MONDO:0014114, OMIM 615280.

Allele frequency attached by ClinVar (database versions not stated): gnomAD exomes below 0.00001; TOPMed below 0.00001.
gnomAD v4.1: 1 of 1,608,748 alleles (0.000062%); highest among the groups gnomAD compares: Middle Eastern, 0.017%; no homozygotes.

Submissions (2):

Fulgent Genetics
Classification: Uncertain significance for Cardiofaciocutaneous syndrome 4. Last evaluated: 2024-06-17. Review status: criteria provided, single submitter. Criteria: ACMG Guidelines, 2015. Collection method: clinical testing. Allele origin: germline.

Ambry Genetics
Classification: Uncertain significance for Cardiovascular phenotype. Last evaluated: 2023-12-04. Review status: criteria provided, single submitter. Criteria: Ambry Variant Classification Scheme 2023. Collection method: clinical testing. Allele origin: germline.
Comment: The p.Y265C variant (also known as c.794A>G), located in coding exon 7 of the MAP2K2 gene, results from an A to G substitution at nucleotide position 794. The tyrosine at codon 265 is replaced by cysteine, an amino acid with highly dissimilar properties. This amino acid position is conserved. In addition, this alteration is predicted to be deleterious by in silico analysis. Since supporting evidence is limited at this time, the clinical significance of this alteration remains unclear.

NM_030662.4(MAP2K2):c.794A>G (p.Tyr265Cys)

Gene: MAP2K2 (mitogen-activated protein kinase kinase 2; minus strand). Cytogenetic location: 19p13.3.
Variant type: single nucleotide variant.
Coding change: c.794A>G on transcript NM_030662.4 (MANE Select); coding-DNA position 794, A replaced by G.
Protein change: p.Tyr265Cys; replaces tyrosine 265 with cysteine.
Molecular consequence: missense variant.
Genome position (GRCh38, 1-based): chr19:4,099,326, T>C on the plus strand (A>G on the coding strand, the complement: MAP2K2 is on the minus strand). VCF-style: chr19-4099326-T-C. GRCh37 (hg19) VCF-style: chr19-4099324-T-C.
Other names: short protein forms Y265C.
Identifiers: ClinVar variation 3228057 (VCV003228057.2), dbSNP rs1377552828, ClinGen allele CA403386518.